The following is an entry in ClinVar:

ClinVar aggregate classification (germline): Likely benign (1 of 4 stars; one submission).

gnomAD v4.1: 2,771 of 413,916 alleles (0.67%); highest among the groups gnomAD compares: Non-Finnish European, 0.96%; 16 homozygotes.

Submission:

CeGaT Center for Human Genetics Tuebingen
Classification: Likely benign. Last evaluated: 2025-01-01. Review status: criteria provided, single submitter. Criteria: CeGaT Center For Human Genetics Tuebingen Variant Classification Criteria Version 2. Collection method: clinical testing. Allele origin: germline. Affected: yes. Observed: 1 variant allele.
Comment: DRC8: BP4, BS2

NM_001143943.1(DRC8):c.392G>A (p.Arg131His)

Gene: DRC8 (dynein regulatory complex subunit 8; plus strand). Cytogenetic location: 1q44.
Variant type: single nucleotide variant.
Coding change: c.392G>A on transcript NM_001143943.1; coding-DNA position 392, G replaced by A.
Protein change: p.Arg131His; replaces arginine 131 with histidine.
Molecular consequence: missense variant. On other transcripts: non-coding transcript variant (1).
Genome position (GRCh38, 1-based): chr1:245,121,938, G>A. VCF-style: chr1-245121938-G-A. GRCh37 (hg19) VCF-style: chr1-245285240-G-A.
Other names: short protein forms R131H.
Identifiers: ClinVar variation 3770774 (VCV003770774.13).